The following is an entry in ClinVar:

ClinVar aggregate classification (germline): Uncertain significance. Review status: criteria provided, multiple submitters, no conflicts (2 of 4 stars). 4 submissions from 4 submitters: Uncertain significance (4). Last evaluated 2025-12-10.

Conditions:
Hereditary cancer-predisposing syndrome. Also called: Neoplastic Syndromes, Hereditary; Tumor predisposition; Hereditary neoplastic syndrome; Hereditary Cancer Syndrome. Identifiers: Orphanet 140162, MedGen C0027672, MeSH D009386, MONDO:0015356.
Oligodontia-cancer predisposition syndrome. Also called: TOOTH AGENESIS-COLORECTAL CANCER SYNDROME. Identifiers: Orphanet 300576, MedGen C1837750, MONDO:0012075, OMIM 608615. Disease mechanism: loss of function.
Colorectal cancer. Also called: Malignant Colorectal Neoplasm; Colorectal cancer, somatic. Identifiers: MedGen C0346629, MONDO:0005575, OMIM 114500.

Allele frequency attached by ClinVar (database versions not stated): gnomAD exomes below 0.00001; gnomAD 0.00001.
gnomAD v4.1: 3 of 1,614,008 alleles (0.00019%); highest among the groups gnomAD compares: East Asian, 0.0045%; no homozygotes.

Submissions (4):

Ambry Genetics
Classification: Uncertain significance for Hereditary cancer-predisposing syndrome. Last evaluated: 2025-12-10. Review status: criteria provided, single submitter. Criteria: Ambry Variant Classification Scheme 2023. Collection method: clinical testing. Allele origin: germline.
Comment: The p.A259V variant (also known as c.776C>T), located in coding exon 1 of the AXIN2 gene, results from a C to T substitution at nucleotide position 776. The alanine at codon 259 is replaced by valine, an amino acid with similar properties. This amino acid position is not well conserved in available vertebrate species, and valine is the reference amino acid in other vertebrate species. In addition, this alteration is predicted to be tolerated by in silico analysis. Since supporting evidence is limited at this time, the clinical significance of this alteration remains unclear.

Labcorp Genetics (formerly Invitae), Labcorp
Classification: Uncertain significance for Oligodontia-cancer predisposition syndrome. Last evaluated: 2025-10-27. Review status: criteria provided, single submitter. Criteria: Invitae Variant Classification Sherloc (09022015). Collection method: clinical testing. Allele origin: germline.
Comment: This sequence change replaces alanine, which is neutral and non-polar, with valine, which is neutral and non-polar, at codon 259 of the AXIN2 protein (p.Ala259Val). This variant is present in population databases (no rsID available, gnomAD 0.06%). This variant has not been reported in the literature in individuals affected with AXIN2-related conditions. ClinVar contains an entry for this variant (Variation ID: 663164). Invitae Evidence Modeling of protein sequence and biophysical properties (such as structural, functional, and spatial information, amino acid conservation, physicochemical variation, residue mobility, and thermodynamic stability) indicates that this missense variant is not expected to disrupt AXIN2 protein function with a negative predictive value of 80%. RNA analysis performed to evaluate the impact of this missense change on mRNA splicing indicates it does not significantly alter splicing (internal data). In summary, the available evidence is currently insufficient to determine the role of this variant in disease. Therefore, it has been classified as a Variant of Uncertain Significance.

Baylor Genetics
Classification: Uncertain significance for Colorectal cancer. Last evaluated: 2022-03-18. Review status: criteria provided, single submitter. Criteria: ACMG Guidelines, 2015. Collection method: clinical testing. Allele origin: unknown.

Illumina Laboratory Services, Illumina
Classification: Uncertain significance for Oligodontia-cancer predisposition syndrome. Last evaluated: 2017-04-28. Review status: criteria provided, single submitter. Criteria: ICSL Variant Classification Criteria 13 December 2019. Collection method: clinical testing. Allele origin: germline.

NM_004655.4(AXIN2):c.776C>T (p.Ala259Val)

Gene: AXIN2 (axin 2; minus strand). Cytogenetic location: 17q24.1.
Variant type: single nucleotide variant.
Coding change: c.776C>T on transcript NM_004655.4 (MANE Select); coding-DNA position 776, C replaced by T.
Protein change: p.Ala259Val; replaces alanine 259 with valine.
Molecular consequence: missense variant.
Genome position (GRCh38, 1-based): chr17:65,557,845, G>A on the plus strand (C>T on the coding strand, the complement: AXIN2 is on the minus strand). VCF-style: chr17-65557845-G-A. GRCh37 (hg19) VCF-style: chr17-63553963-G-A.
Other names: c.776C>T (LRG_296t1); c.776C>T, p.Ala259Val (NM_001363813.1); short protein forms A259V.
Identifiers: ClinVar variation 663164 (VCV000663164.17), dbSNP rs1239640498, ClinGen allele CA400680299.